The following is an entry in ClinVar:

ClinVar aggregate classification (germline): Conflicting classifications of pathogenicity. Review status: criteria provided, conflicting classifications (1 of 4 stars). 4 submissions from 4 submitters: Uncertain significance (3); Likely benign (1). Last evaluated 2025-12-22.

Conditions:
Primary dilated cardiomyopathy (DCM). Also called: Dilated Cardiomyopathy. Identifiers: Orphanet 217604, MedGen C0007193, MeSH D002311, MONDO:0005021, HP:0001644. Inheritance: Various modes of inheritance.

Allele frequency attached by ClinVar (database versions not stated): gnomAD 0.00009; gnomAD exomes 0.00012 and 0.00014; ExAC 0.00013; TOPMed 0.00023; 1000 Genomes Project 0.00040; 1000 Genomes Project 30x 0.00062.
gnomAD v4.1: 218 of 1,612,572 alleles (0.014%); highest among the groups gnomAD compares: Admixed American, 0.048%; no homozygotes.

Submissions (4):

Labcorp Genetics (formerly Invitae), Labcorp
Classification: Uncertain significance for Primary dilated cardiomyopathy. Last evaluated: 2025-12-22. Review status: criteria provided, single submitter. Criteria: Invitae Variant Classification Sherloc (09022015). Collection method: clinical testing. Allele origin: germline.
Comment: This sequence change replaces threonine, which is neutral and polar, with isoleucine, which is neutral and non-polar, at codon 551 of the NEBL protein (p.Thr551Ile). This variant is present in population databases (rs191012363, gnomAD 0.03%). This variant has not been reported in the literature in individuals affected with NEBL-related conditions. ClinVar contains an entry for this variant (Variation ID: 449784). An algorithm developed to predict the effect of missense changes on protein structure and function (PolyPhen-2) suggests that this variant is likely to be tolerated. In summary, the available evidence is currently insufficient to determine the role of this variant in disease. Therefore, it has been classified as a Variant of Uncertain Significance.

Ambry Genetics
Classification: Uncertain significance. Last evaluated: 2025-11-07. Review status: criteria provided, single submitter. Criteria: Ambry Variant Classification Scheme 2023. Collection method: clinical testing. Allele origin: germline.
Comment: The p.T551I variant (also known as c.1652C>T), located in coding exon 16 of the NEBL gene, results from a C to T substitution at nucleotide position 1652. The threonine at codon 551 is replaced by isoleucine, an amino acid with similar properties. This amino acid position is conserved. In addition, this alteration is predicted to be tolerated by in silico analysis. Since supporting evidence is limited at this time, the clinical significance of this alteration remains unclear.

Women's Health and Genetics/Laboratory Corporation of America, LabCorp
Classification: Likely benign. Last evaluated: 2025-07-11. Review status: criteria provided, single submitter. Criteria: LabCorp Variant Classification Summary - May 2015. Collection method: clinical testing. Allele origin: germline.

GeneDx
Classification: Uncertain significance. Last evaluated: 2025-01-30. Review status: criteria provided, single submitter. Criteria: GeneDx Variant Classification Process June 2021. Collection method: clinical testing. Allele origin: germline. Affected: yes.
Comment: Has not been previously published as pathogenic or benign to our knowledge; In silico analysis supports that this missense variant does not alter protein structure/function; Variants in candidate genes are classified as variants of uncertain significance in accordance with ACMG guidelines (PMID: 25741868)

NM_006393.3(NEBL):c.1652C>T (p.Thr551Ile)

Gene: NEBL (nebulette; minus strand). Cytogenetic location: 10p12.31.
Variant type: single nucleotide variant.
Coding change: c.1652C>T on transcript NM_006393.3 (MANE Select); coding-DNA position 1652, C replaced by T.
Protein change: p.Thr551Ile; replaces threonine 551 with isoleucine.
Molecular consequence: missense variant. On other transcripts: intron variant (9).
Genome position (GRCh38, 1-based): chr10:20,831,215, G>A on the plus strand (C>T on the coding strand, the complement: NEBL is on the minus strand). VCF-style: chr10-20831215-G-A. GRCh37 (hg19) VCF-style: chr10-21120144-G-A.
Other names: c.250-18275C>T (NM_001377326.1, NM_001377327.1, NM_001377328.1); c.358-18275C>T (NM_213569.2, NM_001173484.2, NM_001377322.1); c.301-18275C>T (NM_001377324.1); c.292-18275C>T (NM_001377325.1); c.310-18275C>T (NM_001377323.1); short protein forms T551I.
Identifiers: ClinVar variation 449784 (VCV000449784.16), dbSNP rs191012363, ClinGen allele CA5432797.